The following is an entry in ClinVar:

NM_001370259.2(MEN1):c.410G>T (p.Arg137Leu)

Gene: MEN1 (menin 1; minus strand). Cytogenetic location: 11q13.1.
Variant type: single nucleotide variant.
Coding change: c.410G>T on transcript NM_001370259.2 (MANE Select); coding-DNA position 410, G replaced by T.
Protein change: p.Arg137Leu; replaces arginine 137 with leucine.
Molecular consequence: missense variant. On other transcripts: non-coding transcript variant (4).
Genome position (GRCh38, 1-based): chr11:64,809,700, C>A on the plus strand (G>T on the coding strand, the complement: MEN1 is on the minus strand). VCF-style: chr11-64809700-C-A. GRCh37 (hg19) VCF-style: chr11-64577172-C-A.
Other names: c.410G>T, p.Arg137Leu (NM_000244.4, NM_001370251.2, NM_001370260.2 and 20 more transcripts); short protein forms R137L.
Identifiers: ClinVar variation 5024310 (VCV005024310.1).
Genomic context (GRCh38, chr11:64,809,700, plus strand): 5'-AGATTCCCACCTACTGGGCTCCAACCTGTGATGAAGCTGAAGAGGGACTGGATGTGGGCC[C>A]GATCCTTGAAGTAGGAGCGGCTGAGGCTGTTCCATATGACATCGGAGACCTTCTTCACCA-3'
Protein context (NP_001357188.2, residues 127-147): NSLSRSYFKD[Arg137Leu]AHIQSLFSFI

ClinVar aggregate classification (germline): Uncertain significance (1 of 4 stars; one submission).

Conditions:
Hereditary cancer-predisposing syndrome. Also called: Neoplastic Syndromes, Hereditary; Tumor predisposition; Hereditary neoplastic syndrome; Hereditary Cancer Syndrome. Identifiers: Orphanet 140162, MedGen C0027672, MeSH D009386, MONDO:0015356.

Submission:

Ambry Genetics
Classification: Uncertain significance for Hereditary cancer-predisposing syndrome. Last evaluated: 2026-08-31. Review status: criteria provided, single submitter. Criteria: Ambry Variant Classification Scheme 2023. Collection method: clinical testing. Allele origin: germline.
Comment: The p.R137L variant (also known as c.410G>T), located in coding exon 1 of the MEN1 gene, results from a G to T substitution at nucleotide position 410. The arginine at codon 137 is replaced by leucine, an amino acid with dissimilar properties. This amino acid position is highly conserved in available vertebrate species. In addition, this alteration is predicted to be deleterious by in silico analysis. Based on the available evidence, the clinical significance of this variant remains unclear.